The following is an entry in ClinVar:

NM_006261.5(PROP1):c.349T>A (p.Phe117Ile)

Gene: PROP1 (PROP paired-like homeobox 1; minus strand). Cytogenetic location: 5q35.3.
Variant type: single nucleotide variant.
Coding change: c.349T>A on transcript NM_006261.5 (MANE Select); coding-DNA position 349, T replaced by A.
Protein change: p.Phe117Ile; replaces phenylalanine 117 with isoleucine.
Molecular consequence: missense variant.
Genome position (GRCh38, 1-based): chr5:177,993,041, A>T on the plus strand (T>A on the coding strand, the complement: PROP1 is on the minus strand). VCF-style: chr5-177993041-A-T. GRCh37 (hg19) VCF-style: chr5-177420042-A-T.
Other names: short protein forms F117I.
Identifiers: ClinVar variation 8096 (VCV000008096.26), dbSNP rs121917840, ClinGen allele CA340724.
Genomic context (GRCh38, chr5:177,993,041, plus strand): 5'-GGGCCAGAGGCTGAAGCAGTGAGCGCTCTTGCTTCCGTTGCTTAGCTCTGCGGTTCTGGA[A>T]CCAGACCTGAGAAGGGGTAGGAACCACATCAGAGCCCACACTTGACATAGGTGGTGACAC-3'
Protein context (NP_006252.4, residues 107-127): GLSEARIQVW[Phe117Ile]QNRRAKQRKQ

ClinVar aggregate classification (germline): Pathogenic/Likely pathogenic. Review status: criteria provided, multiple submitters, no conflicts (2 of 4 stars). 8 submissions from 8 submitters: Pathogenic (5); Likely pathogenic (1). 2 of the submissions do not count toward it. Last evaluated 2026-01-26.

Conditions:
Pituitary hormone deficiency.
Pituitary hormone deficiency, combined, 2. Also called: PROP1-Related Combined Pituitary Hormone Deficiency; PITUITARY DWARFISM III; ATELIOTIC DWARFISM WITH HYPOGONADISM; HANHART DWARFISM. Identifiers: MedGen C0878683, MONDO:0009878, OMIM 262600.

Allele frequency attached by ClinVar (database versions not stated): gnomAD 0.00010; TOPMed 0.00011.

Submissions (8):

GeneDx
Classification: Pathogenic. Last evaluated: 2026-01-26. Review status: criteria provided, single submitter. Criteria: GeneDx Variant Classification Process June 2021. Collection method: clinical testing. Allele origin: germline. Affected: yes.
Comment: Published functional studies demonstrate a damaging effect with impaired DNA binding (PMID: 9462743); In silico analysis supports that this missense variant has a deleterious effect on protein structure/function; This variant is associated with the following publications: (PMID: 16131601, 10323394, 12173688, 15726414, 22024773, 21132537, 17526936, 9462743, 33098107)

Natera, Inc.
Classification: Pathogenic for Combined pituitary hormone deficiency type 2. Last evaluated: 2026-01-16. Review status: criteria provided, single submitter. Criteria: Natera Variant Classification Schema (03/2026). Collection method: clinical testing. Allele origin: germline.
Comment: The c.349T>A variant in PROP1 is a missense variant predicted to cause substitution of phenylalanine to isoleucine at amino acid 117. This variant is rare in the general population with a frequency below the threshold expected for the associated phenotype(s). This variant has been observed in one or more individuals affected with the associated recessive disease, as either homozygous or compound heterozygous with a second variant (PMID: 17526936, 10323394). Computational prediction algorithms indicate this variant is likely to affect gene or protein function. Given the available evidence, this variant is classified as Pathogenic.

Labcorp Genetics (formerly Invitae), Labcorp
Classification: Pathogenic. Last evaluated: 2025-12-26. Review status: criteria provided, single submitter. Criteria: Invitae Variant Classification Sherloc (09022015). Collection method: clinical testing. Allele origin: germline.
Comment: This sequence change replaces phenylalanine, which is neutral and non-polar, with isoleucine, which is neutral and non-polar, at codon 117 of the PROP1 protein (p.Phe117Ile). This variant is present in population databases (rs121917840, gnomAD 0.02%). This missense change has been observed in individual(s) with pituitary hormone deficiency (PHD) (PMID: 9462743, 17526936, 21132537). In at least one individual the data is consistent with being in trans (on the opposite chromosome) from a pathogenic variant. It has also been observed to segregate with disease in related individuals. ClinVar contains an entry for this variant (Variation ID: 8096). Invitae Evidence Modeling of protein sequence and biophysical properties (such as structural, functional, and spatial information, amino acid conservation, physicochemical variation, residue mobility, and thermodynamic stability) has been performed for this missense variant. However, the output from this modeling did not meet the statistical confidence thresholds required to predict the impact of this variant on PROP1 protein function. Experimental studies have shown that this missense change affects PROP1 function (PMID: 9462743). For these reasons, this variant has been classified as Pathogenic.

Fulgent Genetics
Classification: Pathogenic for Pituitary hormone deficiency, combined, 2. Last evaluated: 2024-06-04. Review status: criteria provided, single submitter. Criteria: ACMG Guidelines, 2015. Collection method: clinical testing. Allele origin: germline.

Cambridge Genomics Laboratory, East Genomic Laboratory Hub, NHS Genomic Medicine Service
Classification: Pathogenic for Pituitary hormone deficiency. Last evaluated: 2024-02-05. Review status: criteria provided, single submitter. Criteria: ACGS Best Practice Guidelines for Variant Classification in Rare Disease 2020. Collection method: clinical testing. Allele origin: germline. Affected: yes.
Comment: The p.Phe117Ile variant is novel (not in any individuals) in 1kG All. The p.Phe117Ile variant is observed in 13/68.026 (0.0191%) alleles from individuals of gnomAD Genomes v3 Non Finnish European background in gnomAD Genomes v3 All. (PM2 - Moderate) | 3 variants within 6 amino acid positions of the variant p.Phe117Ile have been shown to be pathogenic, while none have been shown to be benign. (PM1 - Moderate) | The p.Phe117Ile missense variant is predicted to be damaging by both SIFT and PolyPhen2. The phenylalanine residue at codon 117 of PROP1 is conserved in all mammalian species. The nucleotide c.349 in PROP1 is predicted conserved by GERP++ and PhyloP across 100 vertebrates. (PP3_Moderate - Moderate) | Functional studies demonstrate that this variant has a damaging effect on the gene or gene product (PS3_Supporting - Supporting) | The variant is observed in trans (in a compound heterozygous state) with another pathogenic variant. (PM3_Strong - Strong)

Revvity Omics, Revvity
Classification: Likely pathogenic for Pituitary hormone deficiency, combined, 2. Last evaluated: 2019-09-27. Review status: criteria provided, single submitter. Criteria: ACMG Guidelines, 2015. Collection method: clinical testing. Allele origin: germline.

Counsyl
Classification: Likely pathogenic for Pituitary hormone deficiency, combined 2. Last evaluated: 2014-06-14. Review status: no assertion criteria provided. Collection method: literature only. Allele origin: unknown. Inheritance: Autosomal recessive inheritance. Not counted in ClinVar's aggregate classification.

OMIM
Classification: Pathogenic for PITUITARY HORMONE DEFICIENCY, COMBINED, 2. Last evaluated: 1998-02-01. Review status: no assertion criteria provided. Collection method: literature only. Allele origin: germline. Not counted in ClinVar's aggregate classification.

Literature cited by the submitters: PubMed 17526936 (cited by 3 submitters); PubMed 10323394 (cited by Natera, Inc. and Counsyl); PubMed 9462743 (cited by 3 submitters); PubMed 21132537 (cited by Labcorp Genetics (formerly Invitae), Labcorp and Counsyl); PubMed 16131601 (cited by Counsyl); PubMed 22024773 (cited by Counsyl).